The following is an entry in ClinVar:

NM_000755.5(CRAT):c.159G>A (p.Ala53=)

Gene: CRAT (carnitine O-acetyltransferase; minus strand). Cytogenetic location: 9q34.11.
Variant type: single nucleotide variant.
Coding change: c.159G>A on transcript NM_000755.5 (MANE Select); coding-DNA position 159, G replaced by A.
Protein change: p.Ala53=; no amino-acid change (alanine 53 retained).
Molecular consequence: synonymous variant.
Genome position (GRCh38, 1-based): chr9:129,107,946, C>T on the plus strand (G>A on the coding strand, the complement: CRAT is on the minus strand). VCF-style: chr9-129107946-C-T. GRCh37 (hg19) VCF-style: chr9-131870225-C-T.
Other names: c.96G>A, p.Ala32= (NM_001257363.3, NM_001346548.2, NM_004003.4); c.162G>A, p.Ala54= (NM_001346546.2); c.159G>A, p.Ala53= (NM_001346547.2, NM_001346549.2); c.159G>A (NM_000755.4).
Identifiers: ClinVar variation 2747927 (VCV002747927.5), dbSNP rs149587791, ClinGen allele CA5275862.

ClinVar aggregate classification (germline): Likely benign. Review status: criteria provided, single submitter (1 of 4 stars). 2 submissions from 2 submitters: Likely benign (1). 1 of the submissions does not count toward it. Last evaluated 2025-10-26.

Conditions:
CRAT-related disorder. Also called: CRAT-related condition.

Allele frequency attached by ClinVar (database versions not stated): 1000 Genomes Project 30x 0.00016; 1000 Genomes Project 0.00020; gnomAD exomes 0.00036; ExAC 0.00034; gnomAD 0.00025; ESP Exome Variant Server 0.00015.

Submissions (2):

Labcorp Genetics (formerly Invitae), Labcorp
Classification: Likely benign. Last evaluated: 2025-10-26. Review status: criteria provided, single submitter. Criteria: Invitae Variant Classification Sherloc (09022015). Collection method: clinical testing. Allele origin: germline.

PreventionGenetics, part of Exact Sciences
Classification: Likely benign for CRAT-related condition. Last evaluated: 2019-10-28. Review status: no assertion criteria provided. Collection method: clinical testing. Allele origin: germline. Not counted in ClinVar's aggregate classification.
Comment: This variant is classified as likely benign based on ACMG/AMP sequence variant interpretation guidelines (Richards et al. 2015 PMID: 25741868, with internal and published modifications).